The following is an entry in ClinVar:

NM_015215.4(CAMTA1):c.72A>G (p.Gly24=)

Gene: CAMTA1 (calmodulin binding transcription activator 1; plus strand). Cytogenetic location: 1p36.31.
Variant type: single nucleotide variant.
Coding change: c.72A>G on transcript NM_015215.4 (MANE Select); coding-DNA position 72, A replaced by G.
Protein change: p.Gly24=; no amino-acid change (glycine 24 retained).
Molecular consequence: synonymous variant. On other transcripts: intron variant (3).
Genome position (GRCh38, 1-based): chr1:6,820,207, A>G. VCF-style: chr1-6820207-A-G. GRCh37 (hg19) VCF-style: chr1-6880267-A-G.
Other names: p.Gly24=; c.72A>G, p.Gly24= (NM_001195563.2, NM_001242701.2, NM_001349609.2 and 3 more transcripts); c.26-4885A>G (NM_001349608.2, NM_001349612.2); c.152-4885A>G (NM_001349627.2).
Identifiers: ClinVar variation 4684552 (VCV004684552.1).

ClinVar aggregate classification (germline): Likely benign (1 of 4 stars; one submission).

gnomAD v4.1: 57 of 1,610,736 alleles (0.0035%); highest among the groups gnomAD compares: Non-Finnish European, 0.0047%; no homozygotes.

Submission:

Mayo Clinic Laboratories, Mayo Clinic
Classification: Likely benign. Last evaluated: 2025-12-07. Review status: criteria provided, single submitter. Criteria: ACMG Guidelines, 2015. Collection method: clinical testing. Allele origin: germline. Observed: 1 variant allele.
Comment: BS2, BP4, BP7